The following is an entry in ClinVar:

ClinVar aggregate classification (germline): Likely pathogenic (1 of 4 stars; one submission).

Conditions:
LAMA2-related muscular dystrophy (LAMA2-RD). Also called: Laminin alpha 2-related dystrophy. Identifiers: MedGen C5679788, MONDO:0100228.

Submission:

Labcorp Genetics (formerly Invitae), Labcorp
Classification: Likely pathogenic for LAMA2-related muscular dystrophy. Last evaluated: 2022-09-26. Review status: criteria provided, single submitter. Criteria: Invitae Variant Classification Sherloc (09022015). Collection method: clinical testing. Allele origin: germline.
Comment: In summary, the currently available evidence indicates that the variant is pathogenic, but additional data are needed to prove that conclusively. Therefore, this variant has been classified as Likely Pathogenic. This sequence change affects a donor splice site in intron 8 of the LAMA2 gene. It is expected to disrupt RNA splicing. Variants that disrupt the donor or acceptor splice site typically lead to a loss of protein function (PMID: 16199547), and loss-of-function variants in LAMA2 are known to be pathogenic (PMID: 18700894, 32904964). This variant is not present in population databases (gnomAD no frequency). This variant has not been reported in the literature in individuals affected with LAMA2-related conditions. Algorithms developed to predict the effect of sequence changes on RNA splicing suggest that this variant may disrupt the consensus splice site.

Literature cited by the submitters: PubMed 16199547; PubMed 18700894; PubMed 32904964.

NM_000426.4(LAMA2):c.1206+2T>A

Gene: LAMA2 (laminin subunit alpha 2; plus strand). Cytogenetic location: 6q22.33.
Variant type: single nucleotide variant.
Coding change: c.1206+2T>A on transcript NM_000426.4 (MANE Select); the canonical splice donor site of the intron after coding-DNA position 1206, T replaced by A.
Molecular consequence: splice donor variant.
Genome position (GRCh38, 1-based): chr6:129,154,685, T>A. VCF-style: chr6-129154685-T-A. GRCh37 (hg19) VCF-style: chr6-129475830-T-A.
Other names: c.1206+2T>A (NM_001079823.2).
Identifiers: ClinVar variation 2032661 (VCV002032661.4), dbSNP rs2482628176, ClinGen allele CA365607156.